The following is an entry in ClinVar:

ClinVar aggregate classification (germline): Uncertain significance. Review status: criteria provided, multiple submitters, no conflicts (2 of 4 stars). 2 submissions from 2 submitters: Uncertain significance (2). Last evaluated 2025-04-07.

Allele frequency attached by ClinVar (database versions not stated): ExAC 0.00005; gnomAD exomes 0.00006 and 0.00011; ESP Exome Variant Server 0.00008; TOPMed 0.00008; gnomAD 0.00009 and 0.00010.
gnomAD v4.1: 177 of 1,613,680 alleles (0.011%); highest among the groups gnomAD compares: Non-Finnish European, 0.013%; 1 homozygote.

Submissions (2):

Labcorp Genetics (formerly Invitae), Labcorp
Classification: Uncertain significance. Last evaluated: 2025-04-07. Review status: criteria provided, single submitter. Criteria: Invitae Variant Classification Sherloc (09022015). Collection method: clinical testing. Allele origin: germline.
Comment: This sequence change replaces tyrosine, which is neutral and polar, with histidine, which is basic and polar, at codon 735 of the ADGRA3 protein (p.Tyr735His). This variant is present in population databases (rs372920953, gnomAD 0.009%). This variant has not been reported in the literature in individuals affected with ADGRA3-related conditions. ClinVar contains an entry for this variant (Variation ID: 1499838). An algorithm developed to predict the effect of missense changes on protein structure and function outputs the following: PolyPhen-2: "Benign". The histidine amino acid residue is found in multiple mammalian species, which suggests that this missense change does not adversely affect protein function. In summary, the available evidence is currently insufficient to determine the role of this variant in disease. Therefore, it has been classified as a Variant of Uncertain Significance.

Ambry Genetics
Classification: Uncertain significance. Last evaluated: 2024-05-02. Review status: criteria provided, single submitter. Criteria: Ambry Variant Classification Scheme 2023. Collection method: clinical testing. Allele origin: germline.

NM_145290.4(ADGRA3):c.2203T>C (p.Tyr735His)

Gene: ADGRA3 (adhesion G protein-coupled receptor A3; minus strand). Cytogenetic location: 4p15.2.
Variant type: single nucleotide variant.
Coding change: c.2203T>C on transcript NM_145290.4 (MANE Select); coding-DNA position 2203, T replaced by C.
Protein change: p.Tyr735His; replaces tyrosine 735 with histidine.
Molecular consequence: missense variant.
Genome position (GRCh38, 1-based): chr4:22,413,211, A>G on the plus strand (T>C on the coding strand, the complement: ADGRA3 is on the minus strand). VCF-style: chr4-22413211-A-G. GRCh37 (hg19) VCF-style: chr4-22414834-A-G.
Other names: c.2203T>C (NM_145290.2); short protein forms Y735H.
Identifiers: ClinVar variation 1499838 (VCV001499838.6), dbSNP rs372920953, ClinGen allele CA2873717.